The following is an entry in ClinVar:

ClinVar aggregate classification (germline): Benign/Likely benign. Review status: criteria provided, multiple submitters, no conflicts (2 of 4 stars). 10 submissions from 10 submitters: Benign (3); Likely benign (5). 2 of the submissions do not count toward it. Last evaluated 2026-02-03.

Conditions:
Breast and/or ovarian cancer. Identifiers: MedGen CN221562.
Hereditary cancer-predisposing syndrome. Also called: Tumor predisposition; Hereditary Cancer Syndrome; Hereditary neoplastic syndrome; Neoplastic Syndromes, Hereditary. Identifiers: Orphanet 140162, MedGen C0027672, MeSH D009386, MONDO:0015356.
Familial cancer of breast. Also called: hereditary breast carcinoma; Hereditary breast cancer; BREAST CANCER, FAMILIAL. Identifiers: Orphanet 227535, MedGen C0346153, MONDO:0016419, OMIM 114480. Disease mechanism: loss of function.
Malignant tumor of breast. Also called: Malignant breast neoplasm; Cancer breast. Identifiers: MedGen C0006142, MONDO:0007254. Disease mechanism: loss of function.

Allele frequency attached by ClinVar (database versions not stated): gnomAD exomes 0.00003 and 0.00014; gnomAD 0.00010; ExAC 0.00012; TOPMed 0.00014; 1000 Genomes Project 0.00020; 1000 Genomes Project 30x 0.00031.
gnomAD v4.1: 146 of 1,613,122 alleles (0.0091%); highest among the groups gnomAD compares: East Asian, 0.12%; 1 homozygote.

Submissions (10):

Labcorp Genetics (formerly Invitae), Labcorp
Classification: Benign for Familial cancer of breast. Last evaluated: 2026-02-03. Review status: criteria provided, single submitter. Criteria: Invitae Variant Classification Sherloc (09022015). Collection method: clinical testing. Allele origin: germline.

Center for Genomic Medicine, Rigshospitalet, Copenhagen University Hospital
Classification: Likely benign. Last evaluated: 2025-03-04. Review status: criteria provided, single submitter. Criteria: ACMG Guidelines, 2015. Collection method: clinical testing. Allele origin: germline.

Myriad Genetics, Inc.
Classification: Benign for Familial cancer of breast. Last evaluated: 2024-07-29. Review status: criteria provided, single submitter. Criteria: Myriad Autosomal Dominant, Autosomal Recessive and X-Linked Classification Criteria (2023). Collection method: clinical testing. Allele origin: unknown.
Comment: This variant is considered benign. This variant is intronic and is not expected to impact mRNA splicing. This variant is strongly associated with less severe personal and family histories of cancer, typical for individuals without pathogenic variants in this gene [PMID: 25085752].

Blueprint Genetics
Classification: Likely benign. Last evaluated: 2023-09-19. Review status: criteria provided, single submitter. Criteria: ACMG Guidelines, 2015. Collection method: clinical testing. Allele origin: germline.

CHEO Genetics Diagnostic Laboratory, Children's Hospital of Eastern Ontario
Classification: Likely benign for Breast and/or ovarian cancer. Last evaluated: 2023-06-29. Review status: criteria provided, single submitter. Criteria: ACMG Guidelines, 2015. Collection method: clinical testing. Allele origin: germline.

Sema4
Classification: Likely benign for Hereditary cancer-predisposing syndrome. Last evaluated: 2021-02-03. Review status: criteria provided, single submitter. Criteria: Sema4 Curation Guidelines. Collection method: curation. Allele origin: germline.

Color Diagnostics, LLC DBA Color Health
Classification: Likely benign for Hereditary cancer-predisposing syndrome. Last evaluated: 2015-04-24. Review status: criteria provided, single submitter. Criteria: ACMG Guidelines, 2015. Collection method: clinical testing. Allele origin: germline.

GeneDx
Classification: Benign. Last evaluated: 2014-08-22. Review status: criteria provided, single submitter. Criteria: GeneDx Variant Classification (06012015). Collection method: clinical testing. Allele origin: germline. Affected: yes.
Comment: This variant is considered likely benign or benign based on one or more of the following criteria: it is a conservative change, it occurs at a poorly conserved position in the protein, it is predicted to be benign by multiple in silico algorithms, and/or has population frequency not consistent with disease.

University of Washington Department of Laboratory Medicine, University of Washington
Classification: Likely benign for Hereditary cancer-predisposing syndrome. Last evaluated: 2015-12-01. Review status: no assertion criteria provided. Collection method: clinical testing. Allele origin: germline. Affected: no. Not counted in ClinVar's aggregate classification.

Department of Pathology and Laboratory Medicine, Sinai Health System
Classification: Likely benign for Malignant tumor of breast. Review status: no assertion criteria provided. Collection method: clinical testing. Allele origin: unknown. Affected: yes. Observed: 2 variant alleles. Study: The Canadian Open Genetics Repository (COGR). Not counted in ClinVar's aggregate classification.
Comment: The BARD1 c.2002-11C>T variant was not identified in the literature nor was it identified in the Cosmic, MutDB, and Zhejiang Colon Cancer Database. The variant was identified in dbSNP (ID: rs187240320) as â€šÃ„ÃºWith Likely benign alleleâ€šÃ„Ã¹, ClinVar (as benign by GeneDx and likely benign by University of Washington Dept. of Laboratory Medicine), and Clinvitae databases. The variant was identified in control databases in 39 of 274896 chromosomes at a frequency of 0.000142 (Genome Aggregation Database Feb 27, 2017). Observation by population include: â€šÃ„ÃºOtherâ€šÃ„Ã¹ in 1 of 6430 chromosomes (freq: 0.000156), East Asian in 36 of 18830 chromosomes (freq: 0.001912), and South Asian in 2 of 30680 chromosomes (freq: 0.000065); the variant was not observed in the African, Latino, European (Non-Finnish), Ashkenazi Jewish, or European (Finnish) populations. The c.2002-11C>T variant is located in the 3' splice region but does not affect the invariant -1 and -2 positions. However, positions -3 and -5 to -12 are part of the splicing consensus sequence and variants involving these positions sometimes affect splicing. 2 of 5 in silico or computational prediction software programs (SpliceSiteFinder, MaxEntScan, NNSPLICE, GeneSplicer, HumanSpliceFinder) predict a greater than 10% difference in splicing; this is not very predictive of pathogenicity. The variant was identified by our laboratory co-occurring with a pathogenic BRCA1 variant (c.5503C>T), increasing the likelihood that the c.2002-11C>T variant does not have clinical significance. In summary, based on the above information the clinical significance of this variant cannot be determined with certainty at this time although we would lean towards a more benign role for this variant. This variant is classified as likely benign.

Literature cited by the submitters: PubMed 25085752 (cited by Myriad Genetics, Inc.).

NM_000465.4(BARD1):c.2002-11C>T

Gene: BARD1 (BRCA1 associated RING domain 1; minus strand). Cytogenetic location: 2q35.
Variant type: single nucleotide variant.
Coding change: c.2002-11C>T on transcript NM_000465.4 (MANE Select); 11 bases into the intron before coding-DNA position 2002, C replaced by T.
Molecular consequence: intron variant.
Genome position (GRCh38, 1-based): chr2:214,729,019, G>A on the plus strand (C>T on the coding strand, the complement: BARD1 is on the minus strand). VCF-style: chr2-214729019-G-A. GRCh37 (hg19) VCF-style: chr2-215593743-G-A.
Other names: c.2002-11C>T (LRG_297t1); c.463-11C>T (NM_001282549.2); c.649-11C>T (NM_001282545.2); c.1945-11C>T (NM_001282543.2); c.592-11C>T (NM_001282548.2).
Identifiers: ClinVar variation 182031 (VCV000182031.19), dbSNP rs187240320, ClinGen allele CA298435.